The following is an entry in ClinVar:

NM_014612.5(FAM120A):c.1164G>A (p.Pro388=)

Gene: FAM120A (family with sequence similarity 120 member A; plus strand). Cytogenetic location: 9q22.31.
Variant type: single nucleotide variant.
Coding change: c.1164G>A on transcript NM_014612.5 (MANE Select); coding-DNA position 1164, G replaced by A.
Protein change: p.Pro388=; no amino-acid change (proline 388 retained).
Molecular consequence: synonymous variant.
Genome position (GRCh38, 1-based): chr9:93,516,015, G>A. VCF-style: chr9-93516015-G-A. GRCh37 (hg19) VCF-style: chr9-96278297-G-A.
Other names: c.1161G>A, p.Pro387= (NM_001286722.2); c.1164G>A, p.Pro388= (NM_001286723.2, NM_001286724.2).
Identifiers: ClinVar variation 2659313 (VCV002659313.24), dbSNP rs201107481, ClinGen allele CA5131638.

ClinVar aggregate classification (germline): Likely benign (1 of 4 stars; one submission).

Allele frequency attached by ClinVar (database versions not stated): gnomAD 0.00023; gnomAD exomes 0.00053; ExAC 0.00166; 1000 Genomes Project 30x 0.00172.
gnomAD v4.1: 788 of 1,583,406 alleles (0.05%); highest among the groups gnomAD compares: East Asian, 0.4%; no homozygotes.

Submission:

CeGaT Center for Human Genetics Tuebingen
Classification: Likely benign. Last evaluated: 2022-12-01. Review status: criteria provided, single submitter. Criteria: CeGaT Center For Human Genetics Tuebingen Variant Classification Criteria Version 2. Collection method: clinical testing. Allele origin: germline. Affected: yes. Observed: 1 variant allele.
Comment: FAM120A: BP4, BP7